The following is an entry in ClinVar:

NM_032447.5(FBN3):c.3378T>A (p.His1126Gln)

Gene: FBN3 (fibrillin 3; minus strand). Cytogenetic location: 19p13.2.
Variant type: single nucleotide variant.
Coding change: c.3378T>A on transcript NM_032447.5 (MANE Select); coding-DNA position 3378, T replaced by A.
Protein change: p.His1126Gln; replaces histidine 1126 with glutamine.
Molecular consequence: missense variant.
Genome position (GRCh38, 1-based): chr19:8,117,549, A>T on the plus strand (T>A on the coding strand, the complement: FBN3 is on the minus strand). VCF-style: chr19-8117549-A-T. GRCh37 (hg19) VCF-style: chr19-8182433-A-T.
Other names: c.3378T>A, p.His1126Gln (NM_001321431.2); short protein forms H1126Q.
Identifiers: ClinVar variation 4701383 (VCV004701383.1).
Genomic context (GRCh38, chr19:8,117,549, plus strand): 5'-GCTCTGGAAGCCGGCATGGCAGGAGCACTGGAAGGCACCGATGACATTGACACACTGGCC[A>T]TGGGGACACAGGCCATCACTCAGGGAGCACTCATCGATGTCTGTGGGGGAGTGCAGGTGA-3'
Protein context (NP_115823.3, residues 1116-1136): ECSLSDGLCP[His1126Gln]GQCVNVIGAF

ClinVar aggregate classification (germline): Uncertain significance (1 of 4 stars; one submission).

gnomAD v4.1: 6 of 1,557,504 alleles (0.00039%); highest among the groups gnomAD compares: Non-Finnish European, 0.00052%; no homozygotes.

Submission:

Labcorp Genetics (formerly Invitae), Labcorp
Classification: Uncertain significance. Last evaluated: 2025-02-05. Review status: criteria provided, single submitter. Criteria: Invitae Variant Classification Sherloc (09022015). Collection method: clinical testing. Allele origin: germline.
Comment: This sequence change replaces histidine, which is basic and polar, with glutamine, which is neutral and polar, at codon 1126 of the FBN3 protein (p.His1126Gln). This variant is not present in population databases (gnomAD no frequency). This variant has not been reported in the literature in individuals affected with FBN3-related conditions. Invitae Evidence Modeling of protein sequence and biophysical properties (such as structural, functional, and spatial information, amino acid conservation, physicochemical variation, residue mobility, and thermodynamic stability) indicates that this missense variant is not expected to disrupt FBN3 protein function with a negative predictive value of 80%. In summary, the available evidence is currently insufficient to determine the role of this variant in disease. Therefore, it has been classified as a Variant of Uncertain Significance.